The following is an entry in ClinVar:

ClinVar aggregate classification (germline): Conflicting classifications of pathogenicity. Review status: criteria provided, conflicting classifications (1 of 4 stars). 3 submissions from 3 submitters: Uncertain significance (2); Likely benign (1). Last evaluated 2026-05-19.

Conditions:
Cardiovascular phenotype. Identifiers: MedGen CN230736.

Allele frequency attached by ClinVar (database versions not stated): ExAC 0.00004; TOPMed 0.00007; gnomAD 0.00003.
gnomAD v4.1: 74 of 1,611,780 alleles (0.0046%); highest among the groups gnomAD compares: Admixed American, 0.0083%; no homozygotes.

Submissions (3):

Women's Health and Genetics/Laboratory Corporation of America, LabCorp
Classification: Uncertain significance. Last evaluated: 2026-05-19. Review status: criteria provided, single submitter. Criteria: LabCorp Variant Classification Summary - May 2015. Collection method: clinical testing. Allele origin: germline.
Comment: Variant summary: TNXB c.5204G>A (p.Arg1735His) results in a non-conservative amino acid change in the encoded protein sequence. Algorithms developed to predict the effect of missense changes on protein structure and function are either unavailable or do not agree on the potential impact of this missense change. The variant allele was found at a frequency of 4e-05 in 247238 control chromosomes. This frequency is not significantly higher than estimated for disease-causing variants in TNXB, allowing no conclusion about variant significance. To our knowledge, no occurrence of c.5204G>A in individuals affected with TNXB-related conditions and no experimental evidence demonstrating its impact on protein function have been reported. ClinVar contains an entry for this variant (Variation ID: 1746054). Based on the evidence outlined above, the variant was classified as uncertain significance.

GeneDx
Classification: Uncertain significance. Last evaluated: 2025-05-13. Review status: criteria provided, single submitter. Criteria: GeneDx Variant Classification Process June 2021. Collection method: clinical testing. Allele origin: germline. Affected: yes.
Comment: Has not been previously published as pathogenic or benign to our knowledge; In silico analysis supports that this missense variant has a deleterious effect on protein structure/function

Ambry Genetics
Classification: Likely benign for Cardiovascular phenotype. Last evaluated: 2024-08-14. Review status: criteria provided, single submitter. Criteria: Ambry Variant Classification Scheme 2023. Collection method: clinical testing. Allele origin: germline.

NM_001365276.2(TNXB):c.5204G>A (p.Arg1735His)

Gene: TNXB (tenascin XB; minus strand). Cytogenetic location: 6p21.33.
Variant type: single nucleotide variant.
Coding change: c.5204G>A on transcript NM_001365276.2 (MANE Select); coding-DNA position 5204, G replaced by A.
Protein change: p.Arg1735His; replaces arginine 1735 with histidine.
Molecular consequence: missense variant.
Genome position (GRCh38, 1-based): chr6:32,070,201, C>T on the plus strand (G>A on the coding strand, the complement: TNXB is on the minus strand). VCF-style: chr6-32070201-C-T. GRCh37 (hg19) VCF-style: chr6-32037978-C-T.
Other names: c.5204G>A, p.Arg1735His (NM_019105.8); short protein forms R1735H.
Identifiers: ClinVar variation 1746054 (VCV001746054.5), dbSNP rs573721058, ClinGen allele CA3734766.
Genomic context (GRCh38, chr6:32,070,201, plus strand): 5'-GCAGTGAGAGGGCCATGGCGCTTCTTGCCCAGGAGGCCATAGAGGAGGAATCTGTACTTG[C>T]GGCCGGCATCCAGAGGGGTGACAGTGACAGAGCGCTCATGGCCCTCCACGGGCACCACCT-3'
Protein context (NP_001352205.1, residues 1725-1745): SVTVTPLDAG[Arg1735His]KYRFLLYGLL